The following is an entry in ClinVar:

NM_002666.5(PLIN1):c.768_770delinsTG (p.Leu257fs)

Gene: PLIN1 (perilipin 1; minus strand). Cytogenetic location: 15q26.1.
Variant type: Indel.
Coding change: c.768_770delinsTG on transcript NM_002666.5 (MANE Select); coding-DNA positions 768 to 770, CCT replaced by TG.
Protein change: p.Leu257fs; shifts the reading frame from leucine 257.
Molecular consequence: frameshift variant.
Genome position (GRCh38, 1-based): chr15:89,669,501-89,669,503, AGG replaced by CA on the plus strand (CCT replaced by TG on the coding strand, the reverse complement: PLIN1 is on the minus strand). VCF-style: chr15-89669501-AGG-CA. GRCh37 (hg19) VCF-style: chr15-90212732-AGG-CA.
Other names: c.768_770delinsTG, p.Leu257fs (NM_001145311.2); short protein forms L257fs.
Identifiers: ClinVar variation 4088081 (VCV004088081.1).
Genomic context (GRCh38, chr15:89,669,501, plus strand): 5'-TAGGAGGCCCACAGGGCTCCCAGGCACCGGGTCAGTCAGAGCTCACGGCAGATACTTACC[AGG>CA]GGCACCACGCCTGGGATCCACATGGCCACGGTGTGGCCCTGCTCCAGGGCCCGGGCCATG-3'

ClinVar aggregate classification (germline): Uncertain significance (1 of 4 stars; one submission).

Submission:

GeneDx
Classification: Uncertain significance. Last evaluated: 2025-03-29. Review status: criteria provided, single submitter. Criteria: GeneDx Variant Classification Process June 2021. Collection method: clinical testing. Allele origin: germline. Affected: yes.
Comment: Identified in a patient and sibling with hyperinsulinemic hypoglycemia in published literature and was inherited from the unaffected mother (PMID: 30020498); Frameshift variant predicted to result in protein truncation or nonsense mediated decay in a gene for which loss-of-function is not an established mechanism of disease; Not observed at significant frequency in large population cohorts (gnomAD); This variant is associated with the following publications: (PMID: 30020498)